The following is an entry in ClinVar:

NM_019892.6(INPP5E):c.1186C>T (p.Arg396Cys)

Gene: INPP5E (inositol polyphosphate-5-phosphatase E; minus strand). Cytogenetic location: 9q34.3.
Variant type: single nucleotide variant.
Coding change: c.1186C>T on transcript NM_019892.6 (MANE Select); coding-DNA position 1186, C replaced by T.
Protein change: p.Arg396Cys; replaces arginine 396 with cysteine.
Molecular consequence: missense variant.
Genome position (GRCh38, 1-based): chr9:136,433,049, G>A on the plus strand (C>T on the coding strand, the complement: INPP5E is on the minus strand). VCF-style: chr9-136433049-G-A. GRCh37 (hg19) VCF-style: chr9-139327501-G-A.
Other names: c.1186C>T, p.Arg396Cys (NM_001318502.2); short protein forms R396C.
Identifiers: ClinVar variation 4978387 (VCV004978387.1).
Genomic context (GRCh38, chr9:136,433,049, plus strand): 5'-TGCCAAAAAAGGTGAAGCTGATGCCCAAGGCCCCCTTGGTCTTGATCTGAGACACGATGC[G>A]TGTGGTCACCGTGGAGCACTCCACCTCTGTGGGAGGGGCAGCCCTCAGCTCACCTGTGGG-3'
Protein context (NP_063945.2, residues 386-406): SEVECSTVTT[Arg396Cys]IVSQIKTKGA

ClinVar aggregate classification (germline): Uncertain significance (1 of 4 stars; one submission).

Conditions:
INPP5E-related disorder. Also called: INPP5E-related condition.

gnomAD v4.1: 19 of 1,613,402 alleles (0.0012%); highest among the groups gnomAD compares: South Asian, 0.0077%; no homozygotes.

Submission:

PreventionGenetics, part of Exact Sciences
Classification: Uncertain significance for INPP5E-related condition. Last evaluated: 2024-11-11. Review status: criteria provided, single submitter. Criteria: ACMG Guidelines, 2015. Collection method: clinical testing. Allele origin: germline.
Comment: The INPP5E c.1186C>T variant is predicted to result in the amino acid substitution p.Arg396Cys. To our knowledge, this variant has not been reported in the literature. This variant is reported in 0.0054% of alleles in individuals of East Asian descent in gnomAD. At this time, the clinical significance of this variant is uncertain due to the absence of conclusive functional and genetic evidence.